The following is an entry in ClinVar:

NM_000213.5(ITGB4):c.5228C>T (p.Pro1743Leu)

Genes: ITGB4 (integrin subunit beta 4; plus strand), GALK1 (galactokinase 1; minus strand). Cytogenetic location: 17q25.1.
Variant type: single nucleotide variant.
Coding change: c.5228C>T on transcript NM_000213.5 (MANE Select); coding-DNA position 5228, C replaced by T.
Protein change: p.Pro1743Leu; replaces proline 1743 with leucine.
Molecular consequence: missense variant. On other transcripts: intron variant (1).
Genome position (GRCh38, 1-based): chr17:75,757,209, C>T. VCF-style: chr17-75757209-C-T. GRCh37 (hg19) VCF-style: chr17-73753290-C-T.
Other names: c.5177C>T, p.Pro1726Leu (NM_001005619.2); c.5018C>T, p.Pro1673Leu (NM_001005731.3, NM_001321123.2); c.4868C>T, p.Pro1623Leu (NM_001438834.1); c.*22+825G>A (NM_001381985.1); short protein forms P1743L, P1673L, P1726L, P1623L.
Identifiers: ClinVar variation 2166501 (VCV002166501.3), dbSNP rs368445689, ClinGen allele CA8770524.

ClinVar aggregate classification (germline): Uncertain significance. Review status: criteria provided, multiple submitters, no conflicts (2 of 4 stars). 2 submissions from 2 submitters: Uncertain significance (2). Last evaluated 2025-04-24.

Conditions:
Inborn genetic diseases. Identifiers: MedGen C0950123, MeSH D030342.

Allele frequency attached by ClinVar (database versions not stated): gnomAD 0.00004; gnomAD exomes 0.00005; ExAC 0.00003; ESP Exome Variant Server 0.00008; TOPMed 0.00004.
gnomAD v4.1: 87 of 1,611,898 alleles (0.0054%); highest among the groups gnomAD compares: Non-Finnish European, 0.0064%; no homozygotes.

Submissions (2):

Ambry Genetics
Classification: Uncertain significance for Inborn genetic diseases. Last evaluated: 2025-04-24. Review status: criteria provided, single submitter. Criteria: Ambry Variant Classification Scheme 2023. Collection method: clinical testing. Allele origin: germline.

Labcorp Genetics (formerly Invitae), Labcorp
Classification: Uncertain significance. Last evaluated: 2024-01-31. Review status: criteria provided, single submitter. Criteria: Invitae Variant Classification Sherloc (09022015). Collection method: clinical testing. Allele origin: germline.
Comment: This sequence change replaces proline, which is neutral and non-polar, with leucine, which is neutral and non-polar, at codon 1673 of the ITGB4 protein (p.Pro1673Leu). This variant is present in population databases (rs368445689, gnomAD 0.006%). This variant has not been reported in the literature in individuals affected with ITGB4-related conditions. ClinVar contains an entry for this variant (Variation ID: 2166501). An algorithm developed to predict the effect of missense changes on protein structure and function (PolyPhen-2) suggests that this variant is likely to be disruptive. In summary, the available evidence is currently insufficient to determine the role of this variant in disease. Therefore, it has been classified as a Variant of Uncertain Significance.